The following is an entry in ClinVar:

ClinVar aggregate classification (germline): Uncertain significance (1 of 4 stars; one submission).

Conditions:
Early Myoclonic Encephalopathy. Identifiers: MedGen C0270855.

Allele frequency attached by ClinVar (database versions not stated): TOPMed 0.00002; gnomAD 0.00003; 1000 Genomes Project 0.00040; 1000 Genomes Project 30x 0.00047.
gnomAD v4.1: 58 of 1,613,734 alleles (0.0036%); highest among the groups gnomAD compares: South Asian, 0.057%; no homozygotes.

Submission:

Labcorp Genetics (formerly Invitae), Labcorp
Classification: Uncertain significance for Early Myoclonic Encephalopathy. Last evaluated: 2025-04-30. Review status: criteria provided, single submitter. Criteria: Invitae Variant Classification Sherloc (09022015). Collection method: clinical testing. Allele origin: germline.
Comment: This sequence change replaces threonine, which is neutral and polar, with alanine, which is neutral and non-polar, at codon 454 of the JMJD1C protein (p.Thr454Ala). This variant is present in population databases (rs542426858, gnomAD 0.05%). This variant has not been reported in the literature in individuals affected with JMJD1C-related conditions. ClinVar contains an entry for this variant (Variation ID: 2169355). An algorithm developed to predict the effect of missense changes on protein structure and function outputs the following: PolyPhen-2: "Benign". The alanine amino acid residue is found in multiple mammalian species, which suggests that this missense change does not adversely affect protein function. In summary, the available evidence is currently insufficient to determine the role of this variant in disease. Therefore, it has been classified as a Variant of Uncertain Significance.

NM_032776.3(JMJD1C):c.1360A>G (p.Thr454Ala)

Gene: JMJD1C (jumonji domain containing 1C; minus strand). Cytogenetic location: 10q21.3.
Variant type: single nucleotide variant.
Coding change: c.1360A>G on transcript NM_032776.3 (MANE Select); coding-DNA position 1360, A replaced by G.
Protein change: p.Thr454Ala; replaces threonine 454 with alanine.
Molecular consequence: missense variant. On other transcripts: non-coding transcript variant (1).
Genome position (GRCh38, 1-based): chr10:63,214,807, T>C on the plus strand (A>G on the coding strand, the complement: JMJD1C is on the minus strand). VCF-style: chr10-63214807-T-C. GRCh37 (hg19) VCF-style: chr10-64974567-T-C.
Other names: c.814A>G, p.Thr272Ala (NM_001282948.2, NM_001318154.2); c.496A>G, p.Thr166Ala (NM_001318153.2); c.1246A>G, p.Thr416Ala (NM_001322252.2); c.703A>G, p.Thr235Ala (NM_001322254.2, NM_001322258.2); short protein forms T235A, T166A, T272A, T416A, T454A.
Identifiers: ClinVar variation 2169355 (VCV002169355.4), dbSNP rs542426858, ClinGen allele CA5518819.